The following is an entry in ClinVar:

ClinVar aggregate classification (germline): Likely benign (0 of 4 stars; one submission).

Conditions:
NCAPD3-related disorder. Also called: NCAPD3-related condition.

Allele frequency attached by ClinVar (database versions not stated): TOPMed 0.00006; ESP Exome Variant Server 0.00008; gnomAD 0.00013; gnomAD exomes 0.00029; ExAC 0.00052; 1000 Genomes Project 0.00060; 1000 Genomes Project 30x 0.00062.

Submission:

PreventionGenetics, part of Exact Sciences
Classification: Likely benign for NCAPD3-related condition. Last evaluated: 2022-03-21. Review status: no assertion criteria provided. Collection method: clinical testing. Allele origin: germline.
Comment: This variant is classified as likely benign based on ACMG/AMP sequence variant interpretation guidelines (Richards et al. 2015 PMID: 25741868, with internal and published modifications).

NM_015261.3(NCAPD3):c.4112G>A (p.Arg1371Gln)

Gene: NCAPD3 (non-SMC condensin II complex subunit D3; minus strand). Cytogenetic location: 11q25.
Variant type: single nucleotide variant.
Coding change: c.4112G>A on transcript NM_015261.3 (MANE Select); coding-DNA position 4112, G replaced by A.
Protein change: p.Arg1371Gln; replaces arginine 1371 with glutamine.
Molecular consequence: missense variant.
Genome position (GRCh38, 1-based): chr11:134,157,990, C>T on the plus strand (G>A on the coding strand, the complement: NCAPD3 is on the minus strand). VCF-style: chr11-134157990-C-T. GRCh37 (hg19) VCF-style: chr11-134027885-C-T.
Other names: c.4112G>A, p.Arg1371Gln (NM_001372065.1, NM_001372068.1); c.3698G>A, p.Arg1233Gln (NM_001372069.1, NM_001372070.1); short protein forms R1233Q, R1371Q.
Identifiers: ClinVar variation 3036445 (VCV003036445.2), dbSNP rs368939143, ClinGen allele CA6370562.